The following is an entry in ClinVar:

NM_177438.3(DICER1):c.1966C>G (p.Arg656Gly)

Gene: DICER1 (dicer 1, ribonuclease III; minus strand). Cytogenetic location: 14q32.13.
Variant type: single nucleotide variant.
Coding change: c.1966C>G on transcript NM_177438.3 (MANE Select); coding-DNA position 1966, C replaced by G.
Protein change: p.Arg656Gly; replaces arginine 656 with glycine.
Molecular consequence: missense variant.
Genome position (GRCh38, 1-based): chr14:95,113,166, G>C on the plus strand (C>G on the coding strand, the complement: DICER1 is on the minus strand). VCF-style: chr14-95113166-G-C. GRCh37 (hg19) VCF-style: chr14-95579503-G-C.
Other names: c.1966C>G, p.Arg656Gly (NM_001195573.1, NM_001271282.3, NM_001291628.2 and 1 more transcripts); short protein forms R656G.
Identifiers: ClinVar variation 1491172 (VCV001491172.9), dbSNP rs754081635, ClinGen allele CA390883351.

ClinVar aggregate classification (germline): Uncertain significance. Review status: criteria provided, multiple submitters, no conflicts (2 of 4 stars). 2 submissions from 2 submitters: Uncertain significance (2). Last evaluated 2024-02-15.

Conditions:
DICER1-related tumor predisposition. Also called: DICER1-related pleuropulmonary blastoma cancer predisposition syndrome; DICER1 syndrome. Identifiers: Orphanet 284343, MedGen C3839822, MONDO:0100216.
Hereditary cancer-predisposing syndrome. Also called: Neoplastic Syndromes, Hereditary; Tumor predisposition; Hereditary neoplastic syndrome; Hereditary Cancer Syndrome. Identifiers: Orphanet 140162, MedGen C0027672, MeSH D009386, MONDO:0015356.

Allele frequency attached by ClinVar (database versions not stated): gnomAD 0.00001.
gnomAD v4.1: 1 of 1,613,320 alleles (0.000062%); highest among the groups gnomAD compares: Non-Finnish European, 0.000085%; no homozygotes.

Submissions (2):

Labcorp Genetics (formerly Invitae), Labcorp
Classification: Uncertain significance for DICER1-related tumor predisposition. Last evaluated: 2024-02-15. Review status: criteria provided, single submitter. Criteria: Invitae Variant Classification Sherloc (09022015). Collection method: clinical testing. Allele origin: germline.
Comment: This sequence change replaces arginine, which is basic and polar, with glycine, which is neutral and non-polar, at codon 656 of the DICER1 protein (p.Arg656Gly). This variant is present in population databases (no rsID available, gnomAD 0.007%). This variant has not been reported in the literature in individuals affected with DICER1-related conditions. ClinVar contains an entry for this variant (Variation ID: 1491172). Advanced modeling of protein sequence and biophysical properties (such as structural, functional, and spatial information, amino acid conservation, physicochemical variation, residue mobility, and thermodynamic stability) performed at Invitae indicates that this missense variant is not expected to disrupt DICER1 protein function with a negative predictive value of 80%. In summary, the available evidence is currently insufficient to determine the role of this variant in disease. Therefore, it has been classified as a Variant of Uncertain Significance.

Ambry Genetics
Classification: Uncertain significance for Hereditary cancer-predisposing syndrome. Last evaluated: 2021-01-12. Review status: criteria provided, single submitter. Criteria: Ambry Variant Classification Scheme 2023. Collection method: clinical testing. Allele origin: germline.
Comment: The p.R656G variant (also known as c.1966C>G), located in coding exon 11 of the DICER1 gene, results from a C to G substitution at nucleotide position 1966. The arginine at codon 656 is replaced by glycine, an amino acid with dissimilar properties. This amino acid position is well conserved in available vertebrate species. In addition, this alteration is predicted to be tolerated by in silico analysis. Since supporting evidence is limited at this time, the clinical significance of this alteration remains unclear.